The following is an entry in ClinVar:

NM_005751.5(AKAP9):c.5429T>C (p.Met1810Thr)

Gene: AKAP9 (A-kinase anchoring protein 9; plus strand). Cytogenetic location: 7q21.2.
Variant type: single nucleotide variant.
Coding change: c.5429T>C on transcript NM_005751.5 (MANE Select); coding-DNA position 5429, T replaced by C.
Protein change: p.Met1810Thr; replaces methionine 1810 with threonine.
Molecular consequence: missense variant.
Genome position (GRCh38, 1-based): chr7:92,052,786, T>C. VCF-style: chr7-92052786-T-C. GRCh37 (hg19) VCF-style: chr7-91682100-T-C.
Other names: c.5429T>C, p.Met1810Thr (NM_147185.3); short protein forms M1810T.
Identifiers: ClinVar variation 1747477 (VCV001747477.5), dbSNP rs1286918956, ClinGen allele CA368131053.

ClinVar aggregate classification (germline): Uncertain significance. Review status: criteria provided, multiple submitters, no conflicts (2 of 4 stars). 2 submissions from 2 submitters: Uncertain significance (2). Last evaluated 2024-10-16.

Conditions:
Cardiovascular phenotype. Identifiers: MedGen CN230736.
Long QT syndrome (LQTS). Identifiers: MedGen C0023976, MeSH D008133, MONDO:0002442. Disease mechanism: loss of function. Inheritance: Various modes of inheritance.

Allele frequency attached by ClinVar (database versions not stated): gnomAD exomes below 0.00001; gnomAD 0.00001; TOPMed 0.00002.

Submissions (2):

Labcorp Genetics (formerly Invitae), Labcorp
Classification: Uncertain significance for Long QT syndrome. Last evaluated: 2024-10-16. Review status: criteria provided, single submitter. Criteria: Invitae Variant Classification Sherloc (09022015). Collection method: clinical testing. Allele origin: germline.
Comment: This sequence change replaces methionine, which is neutral and non-polar, with threonine, which is neutral and polar, at codon 1810 of the AKAP9 protein (p.Met1810Thr). This variant is present in population databases (no rsID available, gnomAD 0.003%). This variant has not been reported in the literature in individuals affected with AKAP9-related conditions. ClinVar contains an entry for this variant (Variation ID: 1747477). An algorithm developed to predict the effect of missense changes on protein structure and function (PolyPhen-2) suggests that this variant is likely to be tolerated. In summary, the available evidence is currently insufficient to determine the role of this variant in disease. Therefore, it has been classified as a Variant of Uncertain Significance.

Ambry Genetics
Classification: Uncertain significance for Cardiovascular phenotype. Last evaluated: 2023-08-03. Review status: criteria provided, single submitter. Criteria: Ambry Variant Classification Scheme 2023. Collection method: clinical testing. Allele origin: germline.
Comment: The p.M1810T variant (also known as c.5429T>C), located in coding exon 22 of the AKAP9 gene, results from a T to C substitution at nucleotide position 5429. The methionine at codon 1810 is replaced by threonine, an amino acid with similar properties. This amino acid position is not well conserved in available vertebrate species. In addition, this alteration is predicted to be tolerated by in silico analysis. Since supporting evidence is limited at this time, the clinical significance of this alteration remains unclear.